The following is an entry in ClinVar:

ClinVar aggregate classification (germline): Likely pathogenic (1 of 4 stars; one submission).

Conditions:
Lynch syndrome. Identifiers: Orphanet 144, MedGen C4552100, MONDO:0005835. Disease mechanism: loss of function.

Submission:

GeneKor MSA
Classification: Likely pathogenic for Lynch syndrome. Last evaluated: 2025-06-20. Review status: criteria provided, single submitter. Criteria: ACMG Guidelines, 2015. Collection method: clinical testing. Allele origin: germline.
Comment: This specific variant is an insertion of a single nucleotide in exon 4 of the MSH6 mRNA (c.3104_3105insC), which causes a frameshift in the reading frame of the gene and leads to the creation of a premature stop codon after four amino acid residues — (p.(Leu1036Thrfs*4)). As a result, the protein product is expected to be truncated and non-functional. This variant is not listed in the ClinVar variant database. Based on the ACMG and AMP classification criteria (PMID:25741868) and its impact on the MSH6 protein, this variant is assessed as likely pathogenic.

NM_000179.3(MSH6):c.3104_3105insC (p.Leu1036fs)

Gene: MSH6 (mutS homolog 6; plus strand). Cytogenetic location: 2p16.3.
Variant type: Insertion.
Coding change: c.3104_3105insC on transcript NM_000179.3 (MANE Select); coding-DNA positions 3104 to 3105, C inserted.
Protein change: p.Leu1036fs; shifts the reading frame from leucine 1036.
Molecular consequence: frameshift variant. On other transcripts: non-coding transcript variant (5), intron variant (2).
Genome position: GRCh38 VCF-style: chr2-47801087-G-GC. GRCh37 (hg19) VCF-style: chr2-48028226-G-GC.
Other names: c.2714_2715insC, p.Leu906fs (NM_001281492.2); c.2198_2199insC, p.Leu734fs (NM_001281493.2, NM_001281494.2, NM_001406811.1 and 6 more transcripts); c.3200_3201insC, p.Leu1068fs (NM_001406795.1, NM_001406802.1); c.3104_3105insC, p.Leu1036fs (NM_001406796.1, NM_001406798.1, NM_001406800.1 and 2 more transcripts); c.2807_2808insC, p.Leu937fs (NM_001406797.1, NM_001406801.1, NM_001406805.1 and 10 more transcripts); c.2579_2580insC, p.Leu861fs (NM_001406799.1, NM_001406806.1, NM_001406807.1); c.3026_3027insC, p.Leu1010fs (NM_001406804.1); c.3110_3111insC, p.Leu1038fs (NM_001406813.1); and 4 more; short protein forms L1010fs, L1036fs, L1038fs, L1068fs, L351fs, L734fs, L861fs, L906fs.
Identifiers: ClinVar variation 4077011 (VCV004077011.1).